The following is an entry in ClinVar:

ClinVar aggregate classification (germline): Uncertain significance (1 of 4 stars; one submission).

Conditions:
Immunodeficiency 39 (IMD39). Identifiers: Orphanet 574918, MedGen C4225358, MONDO:0014597, OMIM 616345.

Allele frequency attached by ClinVar (database versions not stated): gnomAD exomes below 0.00001.

Submission:

Labcorp Genetics (formerly Invitae), Labcorp
Classification: Uncertain significance for Immunodeficiency 39. Last evaluated: 2025-12-13. Review status: criteria provided, single submitter. Criteria: Invitae Variant Classification Sherloc (09022015). Collection method: clinical testing. Allele origin: germline.
Comment: This sequence change replaces proline, which is neutral and non-polar, with serine, which is neutral and polar, at codon 184 of the IRF7 protein (p.Pro184Ser). This variant is not present in population databases (gnomAD no frequency). This variant has not been reported in the literature in individuals affected with IRF7-related conditions. ClinVar contains an entry for this variant (Variation ID: 2974298). Invitae Evidence Modeling of protein sequence and biophysical properties (such as structural, functional, and spatial information, amino acid conservation, physicochemical variation, residue mobility, and thermodynamic stability) indicates that this missense variant is not expected to disrupt IRF7 protein function with a negative predictive value of 80%. In summary, the available evidence is currently insufficient to determine the role of this variant in disease. Therefore, it has been classified as a Variant of Uncertain Significance.

NM_001572.5(IRF7):c.511C>T (p.Pro171Ser)

Gene: IRF7 (interferon regulatory factor 7; minus strand). Cytogenetic location: 11p15.5.
Variant type: single nucleotide variant.
Coding change: c.511C>T on transcript NM_001572.5 (MANE Select); coding-DNA position 511, C replaced by T.
Protein change: p.Pro171Ser; replaces proline 171 with serine.
Molecular consequence: missense variant.
Genome position (GRCh38, 1-based): chr11:614,342, G>A on the plus strand (C>T on the coding strand, the complement: IRF7 is on the minus strand). VCF-style: chr11-614342-G-A. GRCh37 (hg19) VCF-style: chr11-614342-G-A.
Other names: c.511C>T, p.Pro171Ser (NM_004029.4); c.550C>T, p.Pro184Ser (NM_004031.4); short protein forms P171S, P184S.
Identifiers: ClinVar variation 2974298 (VCV002974298.3), dbSNP rs2493927847, ClinGen allele CA378982150.